The following is an entry in ClinVar:

NM_001348716.2(KDM6B):c.2962C>T (p.Arg988Trp)

Gene: KDM6B (lysine demethylase 6B; plus strand). Cytogenetic location: 17p13.1.
Variant type: single nucleotide variant.
Coding change: c.2962C>T on transcript NM_001348716.2 (MANE Select); coding-DNA position 2962, C replaced by T.
Protein change: p.Arg988Trp; replaces arginine 988 with tryptophan.
Molecular consequence: missense variant.
Genome position (GRCh38, 1-based): chr17:7,849,250, C>T. VCF-style: chr17-7849250-C-T. GRCh37 (hg19) VCF-style: chr17-7752568-C-T.
Other names: c.2962C>T, p.Arg988Trp (NM_001080424.2); short protein forms R988W.
Identifiers: ClinVar variation 3898395 (VCV003898395.7).

ClinVar aggregate classification (germline): Likely benign (1 of 4 stars; one submission).

gnomAD v4.1: 29 of 1,562,136 alleles (0.0019%); highest among the groups gnomAD compares: African/African-American, 0.0027%; no homozygotes.

Submission:

CeGaT Center for Human Genetics Tuebingen
Classification: Likely benign. Last evaluated: 2025-04-01. Review status: criteria provided, single submitter. Criteria: CeGaT Center For Human Genetics Tuebingen Variant Classification Criteria Version 2. Collection method: clinical testing. Allele origin: germline. Affected: yes. Observed: 1 variant allele.
Comment: KDM6B: BS1